The following is an entry in ClinVar:

ClinVar aggregate classification (germline): Likely pathogenic (1 of 4 stars; one submission).

Conditions:
Cornelia de Lange syndrome 3 (CDLS3). Also called: SMC3-Related Cornelia de Lange Syndrome; CORNELIA DE LANGE SYNDROME 3 WITH OR WITHOUT MIDLINE BRAIN DEFECTS. Identifiers: Orphanet 199, MedGen C1853099, MONDO:0012555, OMIM 610759.

Submission:

Labcorp Genetics (formerly Invitae), Labcorp
Classification: Likely pathogenic for Cornelia de Lange syndrome 3. Last evaluated: 2024-11-13. Review status: criteria provided, single submitter. Criteria: Invitae Variant Classification Sherloc (09022015). Collection method: clinical testing. Allele origin: germline.
Comment: This sequence change replaces glycine, which is neutral and non-polar, with glutamic acid, which is acidic and polar, at codon 502 of the SMC3 protein (p.Gly502Glu). This variant is not present in population databases (gnomAD no frequency). This missense change has been observed in individual(s) with Cornelia de Lange syndrome (internal data). In at least one individual the variant was observed to be de novo. ClinVar contains an entry for this variant (Variation ID: 2825262). Invitae Evidence Modeling of protein sequence and biophysical properties (such as structural, functional, and spatial information, amino acid conservation, physicochemical variation, residue mobility, and thermodynamic stability) has been performed for this missense variant. However, the output from this modeling did not meet the statistical confidence thresholds required to predict the impact of this variant on SMC3 protein function. In summary, the currently available evidence indicates that the variant is pathogenic, but additional data are needed to prove that conclusively. Therefore, this variant has been classified as Likely Pathogenic.

NM_005445.4(SMC3):c.1505G>A (p.Gly502Glu)

Gene: SMC3 (structural maintenance of chromosomes 3; plus strand). Cytogenetic location: 10q25.2.
Variant type: single nucleotide variant.
Coding change: c.1505G>A on transcript NM_005445.4 (MANE Select); coding-DNA position 1505, G replaced by A.
Protein change: p.Gly502Glu; replaces glycine 502 with glutamic acid.
Molecular consequence: missense variant.
Genome position (GRCh38, 1-based): chr10:110,589,987, G>A. VCF-style: chr10-110589987-G-A. GRCh37 (hg19) VCF-style: chr10-112349745-G-A.
Other names: short protein forms G502E.
Identifiers: ClinVar variation 2825262 (VCV002825262.3), dbSNP rs2493126445, ClinGen allele CA378388254.
Genomic context (GRCh38, chr10:110,589,987, plus strand): 5'-CACTTGCTGCTAAAAGAGAAGATCTTGAAAAGAAGCAACAACTTCTTAGAGCAGCAACAG[G>A]AAAGGTGGGCAGGTTCTTTTCATCACCTCTGTTTACACTGAGTCATTGAGTTAATCGTTA-3'
Protein context (NP_005436.1, residues 492-512): KKQQLLRAAT[Gly502Glu]KAILNGIDSI